The following is an entry in ClinVar:

ClinVar aggregate classification (germline): Uncertain significance (1 of 4 stars; one submission).

Conditions:
Inborn genetic diseases. Identifiers: MedGen C0950123, MeSH D030342.

gnomAD v4.1: 1 of 1,611,778 alleles (0.000062%); highest among the groups gnomAD compares: Non-Finnish European, 0.000085%; no homozygotes.

Submission:

Ambry Genetics
Classification: Uncertain significance for Inborn genetic diseases. Last evaluated: 2025-11-11. Review status: criteria provided, single submitter. Criteria: Ambry Variant Classification Scheme 2023. Collection method: clinical testing. Allele origin: germline.
Comment: The p.G185V variant (also known as c.554G>T), located in coding exon 3 of the KDM1A gene, results from a G to T substitution at nucleotide position 554. The glycine at codon 185 is replaced by valine, an amino acid with dissimilar properties. This amino acid position is conserved. In addition, this alteration is predicted to be tolerated by in silico analysis. Based on the available evidence, the clinical significance of this variant remains unclear.

NM_001009999.3(KDM1A):c.554G>T (p.Gly185Val)

Gene: KDM1A (lysine demethylase 1A; plus strand). Cytogenetic location: 1p36.12.
Variant type: single nucleotide variant.
Coding change: c.554G>T on transcript NM_001009999.3 (MANE Select); coding-DNA position 554, G replaced by T.
Protein change: p.Gly185Val; replaces glycine 185 with valine.
Molecular consequence: missense variant. On other transcripts: intron variant (3).
Genome position (GRCh38, 1-based): chr1:23,044,463, G>T. VCF-style: chr1-23044463-G-T. GRCh37 (hg19) VCF-style: chr1-23370956-G-T.
Other names: c.554G>T, p.Gly185Val (NM_001410762.1); c.518-5924G>T (NM_001363654.2, NM_001410763.1, NM_015013.4); short protein forms G185V.
Identifiers: ClinVar variation 4622705 (VCV004622705.1).